The following is an entry in ClinVar:

ClinVar aggregate classification (germline): Uncertain significance. Review status: criteria provided, multiple submitters, no conflicts (2 of 4 stars). 4 submissions from 4 submitters: Uncertain significance (4). Last evaluated 2025-11-06.

Conditions:
Primary familial hypertrophic cardiomyopathy (HCM). Identifiers: Orphanet 99739, MedGen C0949658, MeSH D024741, MONDO:0024573. Inheritance: Various modes of inheritance.
Hypertrophic cardiomyopathy 25 (CMH25). Also called: CARDIOMYOPATHY, FAMILIAL HYPERTROPHIC, 25. Identifiers: MedGen C4225408, MONDO:0011843, OMIM 607487.
Cardiovascular phenotype. Identifiers: MedGen CN230736.
Autosomal recessive limb-girdle muscular dystrophy type 2G (LGMDR7). Also called: MUSCULAR DYSTROPHY, LIMB-GIRDLE, AUTOSOMAL RECESSIVE 7; Limb-girdle muscular dystrophy, type 2G; Telethoninopathy. Identifiers: Orphanet 34514, MedGen C1866008, MONDO:0011170, OMIM 601954.

Allele frequency attached by ClinVar (database versions not stated): gnomAD exomes 0.00001; TOPMed 0.00001.

Submissions (4):

Labcorp Genetics (formerly Invitae), Labcorp
Classification: Uncertain significance for Hypertrophic cardiomyopathy 25; Primary familial hypertrophic cardiomyopathy. Last evaluated: 2025-11-06. Review status: criteria provided, single submitter. Criteria: Invitae Variant Classification Sherloc (09022015). Collection method: clinical testing. Allele origin: germline.
Comment: This sequence change replaces arginine, which is basic and polar, with glutamine, which is neutral and polar, at codon 33 of the TCAP protein (p.Arg33Gln). This variant is present in population databases (no rsID available, gnomAD 0.003%). This variant has not been reported in the literature in individuals affected with TCAP-related conditions. ClinVar contains an entry for this variant (Variation ID: 426834). An algorithm developed to predict the effect of missense changes on protein structure and function (PolyPhen-2) suggests that this variant is likely to be disruptive. In summary, the available evidence is currently insufficient to determine the role of this variant in disease. Therefore, it has been classified as a Variant of Uncertain Significance.

Ambry Genetics
Classification: Uncertain significance for Cardiovascular phenotype. Last evaluated: 2025-09-04. Review status: criteria provided, single submitter. Criteria: Ambry Variant Classification Scheme 2023. Collection method: clinical testing. Allele origin: germline.

Fulgent Genetics
Classification: Uncertain significance for Autosomal recessive limb-girdle muscular dystrophy type 2G; Hypertrophic cardiomyopathy 25. Last evaluated: 2021-09-17. Review status: criteria provided, single submitter. Criteria: ACMG Guidelines, 2015. Collection method: clinical testing. Allele origin: unknown.

GeneDx
Classification: Uncertain significance. Last evaluated: 2017-03-31. Review status: criteria provided, single submitter. Criteria: GeneDx Variant Classification (06012015). Collection method: clinical testing. Allele origin: germline. Affected: yes.
Comment: A variant of uncertain significance has been identified in the TCAP gene. The R33Q variant has not been published as pathogenic or been reported as benign to our knowledge. Additionally, this variant is not observed in large population cohorts (Lek et al., 2016; 1000 Genomes Consortium et al., 2015; Exome Variant Server). The R33Q variant is a semi-conservative amino acid substitution, which may impact secondary protein structure as these residues differ in some properties. Furthermore, in silico analysis predicts this variant is probably damaging to the protein structure/function. Lastly, this substitution occurs at a position that is conserved in mammals, however, glutamine (Q) is the wild-type residue at this position in at least two non-mammalian species.

NM_003673.4(TCAP):c.98G>A (p.Arg33Gln)

Gene: TCAP (titin-cap; plus strand). Cytogenetic location: 17q12.
Variant type: single nucleotide variant.
Coding change: c.98G>A on transcript NM_003673.4 (MANE Select); coding-DNA position 98, G replaced by A.
Protein change: p.Arg33Gln; replaces arginine 33 with glutamine.
Molecular consequence: missense variant.
Genome position (GRCh38, 1-based): chr17:39,665,457, G>A. VCF-style: chr17-39665457-G-A. GRCh37 (hg19) VCF-style: chr17-37821710-G-A.
Other names: short protein forms R33Q.
Identifiers: ClinVar variation 426834 (VCV000426834.15), dbSNP rs1085307822, ClinGen allele CA399303153.